The following is an entry in ClinVar:

NM_000038.6(APC):c.1961A>T (p.Gln654Leu)

Gene: APC (APC regulator of Wnt signaling pathway; plus strand). Cytogenetic location: 5q22.2.
Variant type: single nucleotide variant.
Coding change: c.1961A>T on transcript NM_000038.6 (MANE Select); coding-DNA position 1961, A replaced by T.
Protein change: p.Gln654Leu; replaces glutamine 654 with leucine.
Molecular consequence: missense variant.
Genome position (GRCh38, 1-based): chr5:112,837,555, A>T. VCF-style: chr5-112837555-A-T. GRCh37 (hg19) VCF-style: chr5-112173252-A-T.
Other names: c.1961A>T, p.Gln654Leu (NM_001127510.3, NM_001354895.2, NM_001407450.1); c.1907A>T, p.Gln636Leu (NM_001127511.3); c.2015A>T, p.Gln672Leu (NM_001354896.2, NM_001407447.1, NM_001407448.1 and 1 more transcripts); c.1991A>T, p.Gln664Leu (NM_001354897.2); c.1886A>T, p.Gln629Leu (NM_001354898.2); c.1877A>T, p.Gln626Leu (NM_001354899.2); c.1838A>T, p.Gln613Leu (NM_001354900.2); c.1784A>T, p.Gln595Leu (NM_001354901.2, NM_001407453.1); and 11 more; short protein forms Q571L, Q494L, Q525L, Q563L, Q613L, Q626L, Q629L, Q644L.
Identifiers: ClinVar variation 1783442 (VCV001783442.2), dbSNP rs2149857577, ClinGen allele CA16025605.

ClinVar aggregate classification (germline): Uncertain significance (1 of 4 stars; one submission).

Conditions:
Hereditary cancer-predisposing syndrome. Also called: Neoplastic Syndromes, Hereditary; Tumor predisposition; Hereditary Cancer Syndrome; Hereditary neoplastic syndrome. Identifiers: Orphanet 140162, MedGen C0027672, MeSH D009386, MONDO:0015356.

Submission:

Ambry Genetics
Classification: Uncertain significance for Hereditary cancer-predisposing syndrome. Last evaluated: 2021-04-13. Review status: criteria provided, single submitter. Criteria: Ambry Variant Classification Scheme 2023. Collection method: clinical testing. Allele origin: germline.
Comment: The p.Q654L variant (also known as c.1961A>T), located in coding exon 15 of the APC gene, results from an A to T substitution at nucleotide position 1961. The glutamine at codon 654 is replaced by leucine, an amino acid with dissimilar properties. This amino acid position is highly conserved in available vertebrate species. In addition, in silico predictors for this gene do not accurately predict pathogenicity. Since supporting evidence is limited at this time, the clinical significance of this alteration remains unclear.